The following is an entry in ClinVar:

ClinVar aggregate classification (germline): Uncertain significance (1 of 4 stars; one submission).

Conditions:
Wilson disease (WND). Also called: Wilson's disease. Identifiers: Orphanet 905, MedGen C0019202, MONDO:0010200, OMIM 277900. Disease mechanism: loss of function.

Allele frequency attached by ClinVar (database versions not stated): gnomAD exomes below 0.00001.
gnomAD v4.1: 1 of 1,614,178 alleles (0.000062%); highest among the groups gnomAD compares: Non-Finnish European, 0.000085%; no homozygotes.

Submission:

Labcorp Genetics (formerly Invitae), Labcorp
Classification: Uncertain significance for Wilson disease. Last evaluated: 2019-09-17. Review status: criteria provided, single submitter. Criteria: Invitae Variant Classification Sherloc (09022015). Collection method: clinical testing. Allele origin: germline.
Comment: This sequence change replaces serine with threonine at codon 81 of the ATP7B protein (p.Ser81Thr). The serine residue is moderately conserved and there is a small physicochemical difference between serine and threonine. This variant is not present in population databases (ExAC no frequency). This variant has not been reported in the literature in individuals with ATP7B-related conditions. Algorithms developed to predict the effect of missense changes on protein structure and function are either unavailable or do not agree on the potential impact of this missense change (SIFT: "Deleterious"; PolyPhen-2: "Probably Damaging"; Align-GVGD: "Class C0"). In summary, the available evidence is currently insufficient to determine the role of this variant in disease. Therefore, it has been classified as a Variant of Uncertain Significance.

NM_000053.4(ATP7B):c.241T>A (p.Ser81Thr)

Gene: ATP7B (ATPase copper transporting beta; minus strand). Cytogenetic location: 13q14.3.
Variant type: single nucleotide variant.
Coding change: c.241T>A on transcript NM_000053.4 (MANE Select); coding-DNA position 241, T replaced by A.
Protein change: p.Ser81Thr; replaces serine 81 with threonine.
Molecular consequence: missense variant.
Genome position (GRCh38, 1-based): chr13:51,974,979, A>T on the plus strand (T>A on the coding strand, the complement: ATP7B is on the minus strand). VCF-style: chr13-51974979-A-T. GRCh37 (hg19) VCF-style: chr13-52549115-A-T.
Other names: c.241T>A, p.Ser81Thr (NM_001005918.3, NM_001243182.2, NM_001330578.2 and 1 more transcripts); short protein forms S81T.
Identifiers: ClinVar variation 964223 (VCV000964223.1), dbSNP rs1952034021, ClinGen allele CA388044799.